The following is an entry in ClinVar:

NM_001845.6(COL4A1):c.4409G>C (p.Gly1470Ala)

Gene: COL4A1 (collagen type IV alpha 1 chain; minus strand). Cytogenetic location: 13q34.
Variant type: single nucleotide variant.
Coding change: c.4409G>C on transcript NM_001845.6 (MANE Select); coding-DNA position 4409, G replaced by C.
Protein change: p.Gly1470Ala; replaces glycine 1470 with alanine.
Molecular consequence: missense variant.
Genome position (GRCh38, 1-based): chr13:110,162,283, C>G on the plus strand (G>C on the coding strand, the complement: COL4A1 is on the minus strand). VCF-style: chr13-110162283-C-G. GRCh37 (hg19) VCF-style: chr13-110814630-C-G.
Other names: short protein forms G1470A.
Identifiers: ClinVar variation 1499566 (VCV001499566.8), dbSNP rs2139146120, ClinGen allele CA388657950.

ClinVar aggregate classification (germline): Uncertain significance (1 of 4 stars; one submission).

Submission:

Labcorp Genetics (formerly Invitae), Labcorp
Classification: Uncertain significance. Last evaluated: 2021-04-21. Review status: criteria provided, single submitter. Criteria: Invitae Variant Classification Sherloc (09022015). Collection method: clinical testing. Allele origin: germline.
Comment: In summary, the available evidence is currently insufficient to determine the role of this variant in disease. Therefore, it has been classified as a Variant of Uncertain Significance. Advanced modeling of protein sequence and biophysical properties (such as structural, functional, and spatial information, amino acid conservation, physicochemical variation, residue mobility, and thermodynamic stability) performed at Invitae indicates that this missense variant is expected to disrupt COL4A1 protein function. This variant has not been reported in the literature in individuals with COL4A1-related conditions. This variant is not present in population databases (ExAC no frequency). This sequence change replaces glycine with alanine at codon 1470 of the COL4A1 protein (p.Gly1470Ala). The glycine residue is highly conserved and there is a small physicochemical difference between glycine and alanine.